The following is an entry in ClinVar:

NM_004380.3(CREBBP):c.570T>C (p.Asn190=)

Gene: CREBBP (CREB binding lysine acetyltransferase; minus strand). Cytogenetic location: 16p13.3.
Variant type: single nucleotide variant.
Coding change: c.570T>C on transcript NM_004380.3 (MANE Select); coding-DNA position 570, T replaced by C.
Protein change: p.Asn190=; no amino-acid change (asparagine 190 retained).
Molecular consequence: synonymous variant.
Genome position (GRCh38, 1-based): chr16:3,850,525, A>G on the plus strand (T>C on the coding strand, the complement: CREBBP is on the minus strand). VCF-style: chr16-3850525-A-G. GRCh37 (hg19) VCF-style: chr16-3900526-A-G.
Other names: c.570T>C, p.Asn190= (NM_001079846.1).
Identifiers: ClinVar variation 4985000 (VCV004985000.1).

ClinVar aggregate classification (germline): Likely benign (1 of 4 stars; one submission).

Conditions:
CREBBP-related disorder. Also called: CREBBP-related disorders; CREBBP-related condition.

gnomAD v4.1: 3 of 1,614,070 alleles (0.00019%); highest among the groups gnomAD compares: Non-Finnish European, 0.00025%; no homozygotes.

Submission:

PreventionGenetics, part of Exact Sciences
Classification: Likely benign for CREBBP-related condition. Last evaluated: 2026-08-07. Review status: criteria provided, single submitter. Criteria: ACMG Guidelines, 2015. Collection method: clinical testing. Allele origin: germline.
Comment: This variant is classified as likely benign based on ACMG/AMP sequence variant interpretation guidelines (Richards et al. 2015 PMID: 25741868, with internal and published modifications).